The following is an entry in ClinVar:

NM_000138.5(FBN1):c.5885dup (p.Tyr1962Ter)

Gene: FBN1 (fibrillin 1; minus strand). Cytogenetic location: 15q21.1.
Variant type: Duplication.
Coding change: c.5885dup on transcript NM_000138.5 (MANE Select); coding-DNA position 5885, one base duplicated (A; older notation c.5885dupA).
Protein change: p.Tyr1962Ter; replaces tyrosine 1962 with a stop codon.
Molecular consequence: nonsense. On other transcripts: frameshift variant (1).
Genome position (GRCh38, 1-based): chr15:48,445,408, T duplicated on the plus strand (A on the coding strand, the reverse complement: FBN1 is on the minus strand). VCF-style (leftmost placement, unchanged base first): chr15-48445407-A-AT. GRCh37 (hg19) VCF-style: chr15-48737604-A-AT.
Other names: c.5885dup, p.Tyr1962Terfs (NM_001406716.1); short protein forms Y1962*.
Identifiers: ClinVar variation 1804143 (VCV001804143.1), dbSNP rs2505455250, ClinGen allele CA2580089685.

ClinVar aggregate classification (germline): Pathogenic (1 of 4 stars; one submission).

Conditions:
Marfan syndrome (MFS). Also called: Marfan's syndrome; Marfan syndrome, classic; MARFAN SYNDROME, TYPE I; Marfan syndrome type 1; FBN1-Related Marfan Syndrome. Identifiers: Orphanet 284963, Orphanet 558, MedGen C0024796, MONDO:0007947, OMIM 154700.

Submission:

Institute of Human Genetics, University of Leipzig Medical Center
Classification: Pathogenic for Marfan syndrome. Last evaluated: 2022-11-30. Review status: criteria provided, single submitter. Criteria: ACMG Guidelines, 2015. Collection method: clinical testing. Allele origin: maternal. Affected: yes.
Comment: _x000D_ Criteria applied: PVS1, PM2_SUP, PP1